The following is an entry in ClinVar:

ClinVar aggregate classification (germline): Uncertain significance. Review status: criteria provided, multiple submitters, no conflicts (2 of 4 stars). 2 submissions from 2 submitters: Uncertain significance (2). Last evaluated 2024-10-14.

Conditions:
Hereditary cancer-predisposing syndrome. Also called: Hereditary Cancer Syndrome; Tumor predisposition; Hereditary neoplastic syndrome; Neoplastic Syndromes, Hereditary. Identifiers: Orphanet 140162, MedGen C0027672, MeSH D009386, MONDO:0015356.
Tuberous sclerosis 1 (TSC1). Identifiers: Orphanet 805, MedGen C1854465, MONDO:0008612, OMIM 191100.

Submissions (2):

Labcorp Genetics (formerly Invitae), Labcorp
Classification: Uncertain significance for Tuberous sclerosis 1. Last evaluated: 2024-10-14. Review status: criteria provided, single submitter. Criteria: Invitae Variant Classification Sherloc (09022015). Collection method: clinical testing. Allele origin: germline.
Comment: This sequence change replaces glycine, which is neutral and non-polar, with arginine, which is basic and polar, at codon 385 of the TSC1 protein (p.Gly385Arg). This variant is not present in population databases (gnomAD no frequency). This variant has not been reported in the literature in individuals affected with TSC1-related conditions. ClinVar contains an entry for this variant (Variation ID: 1055990). Invitae Evidence Modeling of protein sequence and biophysical properties (such as structural, functional, and spatial information, amino acid conservation, physicochemical variation, residue mobility, and thermodynamic stability) indicates that this missense variant is not expected to disrupt TSC1 protein function with a negative predictive value of 95%. In summary, the available evidence is currently insufficient to determine the role of this variant in disease. Therefore, it has been classified as a Variant of Uncertain Significance.

Ambry Genetics
Classification: Uncertain significance for Hereditary cancer-predisposing syndrome. Last evaluated: 2024-03-02. Review status: criteria provided, single submitter. Criteria: Ambry Variant Classification Scheme 2023. Collection method: clinical testing. Allele origin: germline.
Comment: The p.G385R variant (also known as c.1153G>A), located in coding exon 10 of the TSC1 gene, results from a G to A substitution at nucleotide position 1153. The glycine at codon 385 is replaced by arginine, an amino acid with dissimilar properties. This amino acid position is conserved. In addition, this alteration is predicted to be deleterious by in silico analysis. Based on the available evidence, the clinical significance of this alteration remains unclear.

NM_000368.5(TSC1):c.1153G>A (p.Gly385Arg)

Gene: TSC1 (TSC complex subunit 1; minus strand). Cytogenetic location: 9q34.13.
Variant type: single nucleotide variant.
Coding change: c.1153G>A on transcript NM_000368.5 (MANE Select); coding-DNA position 1153, G replaced by A.
Protein change: p.Gly385Arg; replaces glycine 385 with arginine.
Molecular consequence: missense variant.
Genome position (GRCh38, 1-based): chr9:132,910,681, C>T on the plus strand (G>A on the coding strand, the complement: TSC1 is on the minus strand). VCF-style: chr9-132910681-C-T. GRCh37 (hg19) VCF-style: chr9-135786068-C-T.
Other names: c.1150G>A, p.Gly384Arg (NM_001162426.2); c.1000G>A, p.Gly334Arg (NM_001162427.2); c.790G>A, p.Gly264Arg (NM_001362177.2); c.1153G>A (NM_000368.4); short protein forms G264R, G334R, G384R, G385R.
Identifiers: ClinVar variation 1055990 (VCV001055990.10), dbSNP rs2131947237, ClinGen allele CA375367188.